The following is an entry in ClinVar:

NM_052867.4(NALCN):c.884G>A (p.Arg295His)

Gene: NALCN (sodium leak channel, non-selective; minus strand). Cytogenetic location: 13q33.1.
Variant type: single nucleotide variant.
Coding change: c.884G>A on transcript NM_052867.4 (MANE Select); coding-DNA position 884, G replaced by A.
Protein change: p.Arg295His; replaces arginine 295 with histidine.
Molecular consequence: missense variant.
Genome position (GRCh38, 1-based): chr13:101,292,282, C>T on the plus strand (G>A on the coding strand, the complement: NALCN is on the minus strand). VCF-style: chr13-101292282-C-T. GRCh37 (hg19) VCF-style: chr13-101944633-C-T.
Other names: c.884G>A, p.Arg295His (NM_001350748.2, NM_001350749.2, NM_001350750.2 and 1 more transcripts); short protein forms R295H.
Identifiers: ClinVar variation 872450 (VCV000872450.48), dbSNP rs377716963, ClinGen allele CA7036361.
Genomic context (GRCh38, chr13:101,292,282, plus strand): 5'-ACCTTCACAAGCCAGGCGAGGAAGAAAATGAGAGTGATGAAATAGAAGTAGGAACGCCAA[C>T]GGGGAAAGCTGTCAATTGCTCTGTACATGAGGAACACCCAGCCTTCCTGTGAGGCGGCCT-3'
Protein context (NP_443099.1, residues 285-305): LMYRAIDSFP[Arg295His]WRSYFYFITL

ClinVar aggregate classification (germline): Uncertain significance. Review status: criteria provided, multiple submitters, no conflicts (2 of 4 stars). 5 submissions from 5 submitters: Uncertain significance (4). 1 of the submissions does not count toward it. Last evaluated 2025-12-01.

Conditions:
NALCN-related disorder. Also called: NALCN-related condition; NALCN-related disorders.

Allele frequency attached by ClinVar (database versions not stated): gnomAD 0.00002; gnomAD exomes 0.00003 and 0.00006; TOPMed 0.00003; ExAC 0.00005.
gnomAD v4.1: 45 of 1,613,938 alleles (0.0028%); highest among the groups gnomAD compares: Middle Eastern, 0.016%; no homozygotes.

Submissions (5):

Labcorp Genetics (formerly Invitae), Labcorp
Classification: Uncertain significance. Last evaluated: 2025-12-01. Review status: criteria provided, single submitter. Criteria: Invitae Variant Classification Sherloc (09022015). Collection method: clinical testing. Allele origin: germline.
Comment: This sequence change replaces arginine, which is basic and polar, with histidine, which is basic and polar, at codon 295 of the NALCN protein (p.Arg295His). This variant is present in population databases (rs377716963, gnomAD 0.02%). This variant has not been reported in the literature in individuals affected with NALCN-related conditions. ClinVar contains an entry for this variant (Variation ID: 872450). Invitae Evidence Modeling of protein sequence and biophysical properties (such as structural, functional, and spatial information, amino acid conservation, physicochemical variation, residue mobility, and thermodynamic stability) indicates that this missense variant is not expected to disrupt NALCN protein function with a negative predictive value of 80%. In summary, the available evidence is currently insufficient to determine the role of this variant in disease. Therefore, it has been classified as a Variant of Uncertain Significance.

GeneDx
Classification: Uncertain significance. Last evaluated: 2024-03-31. Review status: criteria provided, single submitter. Criteria: GeneDx Variant Classification Process June 2021. Collection method: clinical testing. Allele origin: germline. Affected: yes.
Comment: In silico analysis supports that this missense variant does not alter protein structure/function; Has not been previously published as pathogenic or benign to our knowledge

Women's Health and Genetics/Laboratory Corporation of America, LabCorp
Classification: Uncertain significance. Last evaluated: 2024-02-19. Review status: criteria provided, single submitter. Criteria: LabCorp Variant Classification Summary - May 2015. Collection method: clinical testing. Allele origin: germline.
Comment: Variant summary: NALCN c.884G>A (p.Arg295His) results in a non-conservative amino acid change located in the Ion transport domain (IPR005821) of the encoded protein sequence. Five of five in-silico tools predict a damaging effect of the variant on protein function. The variant allele was found at a frequency of 5.6e-05 in 251244 control chromosomes (gnomAD). To our knowledge, no occurrence of c.884G>A in individuals affected with Congenital Contractures Of The Limbs And Face, Hypotonia, And Developmental Delay and no experimental evidence demonstrating its impact on protein function have been reported. ClinVar contains an entry for this variant (Variation ID: 872450). Based on the evidence outlined above, the variant was classified as uncertain significance.

CeGaT Center for Human Genetics Tuebingen
Classification: Uncertain significance. Last evaluated: 2021-04-01. Review status: criteria provided, single submitter. Criteria: CeGaT Center For Human Genetics Tuebingen Variant Classification Criteria Version 2. Collection method: clinical testing. Allele origin: germline. Affected: yes. Observed: 1 variant allele.

PreventionGenetics, part of Exact Sciences
Classification: Uncertain significance for NALCN-related condition. Last evaluated: 2024-03-11. Review status: no assertion criteria provided. Collection method: clinical testing. Allele origin: germline. Not counted in ClinVar's aggregate classification.
Comment: The NALCN c.884G>A variant is predicted to result in the amino acid substitution p.Arg295His. To our knowledge, this variant has not been reported in the literature. This variant is reported in 0.020% of alleles in individuals of South Asian descent in gnomAD. At this time, the clinical significance of this variant is uncertain due to the absence of conclusive functional and genetic evidence.